The following is an entry in ClinVar:

NM_024411.5(PDYN):c.565G>A (p.Val189Met)

Genes: PDYN (prodynorphin; minus strand), PDYN-AS1 (PDYN antisense RNA 1; plus strand). Cytogenetic location: 20p13.
Variant type: single nucleotide variant.
Coding change: c.565G>A on transcript NM_024411.5 (MANE Select); coding-DNA position 565, G replaced by A.
Protein change: p.Val189Met; replaces valine 189 with methionine.
Molecular consequence: missense variant.
Genome position (GRCh38, 1-based): chr20:1,980,523, C>T on the plus strand (G>A on the coding strand, the complement: PDYN is on the minus strand). VCF-style: chr20-1980523-C-T. GRCh37 (hg19) VCF-style: chr20-1961169-C-T.
Other names: c.565G>A, p.Val189Met (NM_001190892.1, NM_001190898.3, NM_001190899.2 and 1 more transcripts); short protein forms V189M.
Identifiers: ClinVar variation 2684290 (VCV002684290.1), dbSNP rs2514335331, ClinGen allele CA408002869.

ClinVar aggregate classification (germline): Uncertain significance (1 of 4 stars; one submission).

Submission:

Athena Diagnostics
Classification: Uncertain significance. Last evaluated: 2022-12-08. Review status: criteria provided, single submitter. Criteria: Athena Diagnostics Criteria. Collection method: clinical testing. Allele origin: unknown.
Comment: Available data are insufficient to determine the clinical significance of the variant at this time. This variant has not been reported in large, multi-ethnic general populations. Computational tools predict that this variant is not damaging.